The following is an entry in ClinVar:

NM_001042492.3(NF1):c.4903_4917del (p.Tyr1635_Tyr1639del)

Gene: NF1 (neurofibromin 1; plus strand). Cytogenetic location: 17q11.2.
Variant type: Deletion.
Coding change: c.4903_4917del on transcript NM_001042492.3 (MANE Select); coding-DNA positions 4903 to 4917, 15 bases deleted (TATGCAAAGCCATAT).
Protein change: p.Tyr1635_Tyr1639del.
Molecular consequence: inframe deletion. On other transcripts: inframe indel (1).
Genome position (GRCh38, 1-based): chr17:31,325,887-31,325,901, TATGCAAAGCCATAT deleted; deleting any 15 consecutive bases within chr17:31,325,877-31,325,901 gives the same sequence; the c. name uses the placement nearest the transcript's 3' end. VCF-style (leftmost placement, unchanged base first): chr17-31325876-TAAAGCCATATTATGC-T. GRCh37 (hg19) VCF-style: chr17-29652894-TAAAGCCATATTATGC-T.
Other names: c.4840_4854delTATGCAAAGCCATAT, p.Tyr1614_Tyr1618del (NM_000267.4).
Identifiers: ClinVar variation 1408848 (VCV001408848.11), dbSNP rs2069327013, ClinGen allele CA2573153681.
Genomic context (GRCh38, chr17:31,325,876, plus strand): 5'-TTAGGTTCAAAACTGGTCAAATCAATGGTGATTTGCTGATATACCATGTCTTACTGACTT[TAAAGCCATATTATGC>T]AAAGCCATATGAAATTGTAGTGGACCTTACCCATACCGGGCCTAGCAATCGCTTTAAAAC-3'

ClinVar aggregate classification (germline): Conflicting classifications of pathogenicity. Review status: criteria provided, conflicting classifications (1 of 4 stars). 3 submissions from 3 submitters: Pathogenic (1); Likely pathogenic (1); Uncertain significance (1). Last evaluated 2025-04-04.

Conditions:
Neurofibromatosis, type 1 (NF1). Also called: NEUROFIBROMATOSIS, TYPE I, SOMATIC; Peripheral type neurofibromatosis; Neurofibromatosis, type I; VON RECKLINGHAUSEN DISEASE. Identifiers: Orphanet 636, MedGen C0027831, MONDO:0018975, OMIM 162200. Disease mechanism: loss of function.

Submissions (3):

Institute of Medical Genetics and Applied Genomics, University Hospital Tübingen
Classification: Likely pathogenic for Neurofibromatosis, type 1. Last evaluated: 2025-04-04. Review status: criteria provided, single submitter. Criteria: ACMG Guidelines, 2015. Collection method: clinical testing. Allele origin: germline. Inheritance: Autosomal dominant inheritance. Affected: yes.

Labcorp Genetics (formerly Invitae), Labcorp
Classification: Pathogenic for Neurofibromatosis, type 1. Last evaluated: 2022-06-09. Review status: criteria provided, single submitter. Criteria: Invitae Variant Classification Sherloc (09022015). Collection method: clinical testing. Allele origin: germline.
Comment: This variant is not present in population databases (gnomAD no frequency). For these reasons, this variant has been classified as Pathogenic. This variant disrupts a region of the NF1 protein in which other variant(s) (p.Tyr1618Asn) have been determined to be pathogenic (Invitae). This suggests that this is a clinically significant region of the protein, and that variants that disrupt it are likely to be disease-causing. Experimental studies and prediction algorithms are not available or were not evaluated, and the functional significance of this variant is currently unknown. This variant is also known as p.Lys1611_Ala1615del. This variant has been observed in individual(s) with neurofibromatosis type 1 (PMID: 26740943, 31370276). This variant, c.4840_4854del, results in the deletion of 5 amino acid(s) of the NF1 protein (p.Tyr1614_Tyr1618del), but otherwise preserves the integrity of the reading frame.

Juno Genomics, Hangzhou Juno Genomics, Inc
Classification: Uncertain significance for Neurofibromatosis, type 1. Review status: criteria provided, single submitter. Criteria: ACMG Guidelines, 2015. Collection method: clinical testing. Allele origin: germline. Affected: yes.
Comment: Absent from controls (or at extremely low frequency if recessive) in Genome Aggregation Database, Exome Sequencing Project, 1000 Genomes Project, or Exome Aggregation Consortium.;Protein length changes due to in-frame deletions/insertions in a non-repeat region or stop-loss variants.;The prevalence of the variant in affected individuals is significantly increased compared to the prevalence in controls.;Patient's phenotype or family history is highly specific for a disease with a single genetic etiology.

Literature cited by the submitters: PubMed 26740943 (cited by Labcorp Genetics (formerly Invitae), Labcorp); PubMed 31370276 (cited by Labcorp Genetics (formerly Invitae), Labcorp).